The following is an entry in ClinVar:

NM_014875.3(KIF14):c.2992G>A (p.Glu998Lys)

Gene: KIF14 (kinesin family member 14; minus strand). Cytogenetic location: 1q32.1.
Variant type: single nucleotide variant.
Coding change: c.2992G>A on transcript NM_014875.3 (MANE Select); coding-DNA position 2992, G replaced by A.
Protein change: p.Glu998Lys; replaces glutamic acid 998 with lysine.
Molecular consequence: missense variant.
Genome position (GRCh38, 1-based): chr1:200,589,339, C>T on the plus strand (G>A on the coding strand, the complement: KIF14 is on the minus strand). VCF-style: chr1-200589339-C-T. GRCh37 (hg19) VCF-style: chr1-200558467-C-T.
Other names: c.1519G>A, p.Glu507Lys (NM_001305792.1); short protein forms E998K, E507K.
Identifiers: ClinVar variation 2071960 (VCV002071960.3), dbSNP rs2527538358, ClinGen allele CA344142910.

ClinVar aggregate classification (germline): Uncertain significance (1 of 4 stars; one submission).

gnomAD v4.1: 1 of 1,608,954 alleles (0.000062%); highest among the groups gnomAD compares: Non-Finnish European, 0.000085%; no homozygotes.

Submission:

Labcorp Genetics (formerly Invitae), Labcorp
Classification: Uncertain significance. Last evaluated: 2021-12-24. Review status: criteria provided, single submitter. Criteria: Invitae Variant Classification Sherloc (09022015). Collection method: clinical testing. Allele origin: germline.
Comment: This sequence change replaces glutamic acid, which is acidic and polar, with lysine, which is basic and polar, at codon 998 of the KIF14 protein (p.Glu998Lys). This variant is not present in population databases (gnomAD no frequency). This variant has not been reported in the literature in individuals affected with KIF14-related conditions. Algorithms developed to predict the effect of missense changes on protein structure and function are either unavailable or do not agree on the potential impact of this missense change (SIFT: "Deleterious"; PolyPhen-2: "Possibly Damaging"; Align-GVGD: "Class C0"). In summary, the available evidence is currently insufficient to determine the role of this variant in disease. Therefore, it has been classified as a Variant of Uncertain Significance.